The following is an entry in ClinVar:

ClinVar aggregate classification (germline): Pathogenic. Review status: criteria provided, multiple submitters, no conflicts (2 of 4 stars). 3 submissions from 3 submitters: Pathogenic (3). Last evaluated 2026-03-05.

Conditions:
Joubert syndrome. Also called: Familial aplasia of the vermis; JOUBERT-BOLTSHAUSER SYNDROME. Identifiers: Orphanet 475, MedGen C5979921, MONDO:0018772.
Meckel-Gruber syndrome. Also called: Dysencephalia splachnocystica; DYSENCEPHALIA SPLANCHNOCYSTICA; GRUBER SYNDROME. Identifiers: Orphanet 564, MedGen C0265215, MONDO:0018921.
Joubert syndrome 9 (JBTS9). Identifiers: Orphanet 2318, MedGen C2676788, MONDO:0012849, OMIM 612285.
Joubert syndrome and related disorders. Identifiers: Orphanet 140874, MedGen C5679612, MONDO:0015369.

Submissions (3):

Mendelics
Classification: Pathogenic for Joubert syndrome 9. Last evaluated: 2026-03-05. Review status: criteria provided, single submitter. Criteria: ACMG Guidelines, 2015. Collection method: clinical testing. Allele origin: unknown.
Comment: Likely pathogenic/Pathogenic according to ACMG criteria.

Myriad Genetics, Inc.
Classification: Pathogenic for Joubert syndrome and related disorders. Last evaluated: 2025-01-27. Review status: criteria provided, single submitter. Criteria: Myriad Autosomal Dominant, Autosomal Recessive and X-Linked Classification Criteria (2023). Collection method: clinical testing. Allele origin: unknown.
Comment: NM_001080522.2(CC2D2A):c.4229G>A(W1410*) is expected to be pathogenic in the context of CC2D2A-related disorders. This variant is predicted to lead to an abnormal or absent protein product due to the creation of a premature termination codon in CC2D2A, a gene where loss-of-function variants are known to be pathogenic. Please note: this variant was assessed in the context of healthy population screening.

Labcorp Genetics (formerly Invitae), Labcorp
Classification: Pathogenic for Joubert syndrome; Meckel-Gruber syndrome. Last evaluated: 2022-03-20. Review status: criteria provided, single submitter. Criteria: Invitae Variant Classification Sherloc (09022015). Collection method: clinical testing. Allele origin: germline.
Comment: This variant has not been reported in the literature in individuals affected with CC2D2A-related conditions. For these reasons, this variant has been classified as Pathogenic. This variant is not present in population databases (gnomAD no frequency). This sequence change creates a premature translational stop signal (p.Trp1410*) in the CC2D2A gene. It is expected to result in an absent or disrupted protein product. Loss-of-function variants in CC2D2A are known to be pathogenic (PMID: 19777577).

Literature cited by the submitters: PubMed 19777577 (cited by Labcorp Genetics (formerly Invitae), Labcorp).

NM_001378615.1(CC2D2A):c.4229G>A (p.Trp1410Ter)

Genes: CC2D2A (coiled-coil and C2 domain containing 2A; plus strand), FBXL5 (F-box and leucine rich repeat protein 5; minus strand). Cytogenetic location: 4p15.32.
Variant type: single nucleotide variant.
Coding change: c.4229G>A on transcript NM_001378615.1 (MANE Select); coding-DNA position 4229, G replaced by A.
Protein change: p.Trp1410Ter; replaces tryptophan 1410 with a stop codon.
Molecular consequence: nonsense.
Genome position (GRCh38, 1-based): chr4:15,589,594, G>A. VCF-style: chr4-15589594-G-A. GRCh37 (hg19) VCF-style: chr4-15591217-G-A.
Other names: c.4229G>A, p.Trp1410Ter (NM_001080522.2); c.4082G>A, p.Trp1361Ter (NM_001378617.1); short protein forms W1410*, W1361*.
Identifiers: ClinVar variation 1930499 (VCV001930499.8), dbSNP rs1044009143, ClinGen allele CA92527555.